The following is an entry in ClinVar:

ClinVar aggregate classification (germline): Uncertain significance (1 of 4 stars; one submission).

Conditions:
LAMA2-related muscular dystrophy (LAMA2-RD). Also called: Laminin alpha 2-related dystrophy. Identifiers: MedGen C5679788, MONDO:0100228.

Submission:

Labcorp Genetics (formerly Invitae), Labcorp
Classification: Uncertain significance for LAMA2-related muscular dystrophy. Last evaluated: 2022-03-18. Review status: criteria provided, single submitter. Criteria: Invitae Variant Classification Sherloc (09022015). Collection method: clinical testing. Allele origin: germline.
Comment: This sequence change falls in intron 4 of the LAMA2 gene. It does not directly change the encoded amino acid sequence of the LAMA2 protein. It affects a nucleotide within the consensus splice site. This variant is not present in population databases (gnomAD no frequency). This variant has not been reported in the literature in individuals affected with LAMA2-related conditions. Variants that disrupt the consensus splice site are a relatively common cause of aberrant splicing (PMID: 17576681, 9536098). Algorithms developed to predict the effect of sequence changes on RNA splicing suggest that this variant is not likely to affect RNA splicing. In summary, the available evidence is currently insufficient to determine the role of this variant in disease. Therefore, it has been classified as a Variant of Uncertain Significance.

Literature cited by the submitters: PubMed 17576681; PubMed 9536098.

NM_000426.4(LAMA2):c.639+4A>G

Gene: LAMA2 (laminin subunit alpha 2; plus strand). Cytogenetic location: 6q22.33.
Variant type: single nucleotide variant.
Coding change: c.639+4A>G on transcript NM_000426.4 (MANE Select); 4 bases into the intron after coding-DNA position 639, A replaced by G.
Molecular consequence: intron variant.
Genome position (GRCh38, 1-based): chr6:129,098,419, A>G. VCF-style: chr6-129098419-A-G. GRCh37 (hg19) VCF-style: chr6-129419564-A-G.
Other names: c.639+4A>G (NM_001079823.2).
Identifiers: ClinVar variation 2153346 (VCV002153346.1), dbSNP rs2482428630, ClinGen allele CA2580074900.